The following is an entry in ClinVar:

NM_017672.6(TRPM7):c.3846T>G (p.Gly1282=)

Genes: TRPM7 (transient receptor potential cation channel subfamily M member 7; minus strand), LOC126862130 (BRD4-independent group 4 enhancer GRCh37_chr15:50884350-50885549; plus strand). Cytogenetic location: 15q21.2.
Variant type: single nucleotide variant.
Coding change: c.3846T>G on transcript NM_017672.6 (MANE Select); coding-DNA position 3846, T replaced by G.
Protein change: p.Gly1282=; no amino-acid change (glycine 1282 retained).
Molecular consequence: synonymous variant. On other transcripts: non-coding transcript variant (3).
Genome position (GRCh38, 1-based): chr15:50,592,389, A>C on the plus strand (T>G on the coding strand, the complement: TRPM7 is on the minus strand). VCF-style: chr15-50592389-A-C. GRCh37 (hg19) VCF-style: chr15-50884586-A-C.
Other names: c.3846T>G, p.Gly1282= (NM_001301212.2).
Identifiers: ClinVar variation 3037328 (VCV003037328.2), dbSNP rs142056500, ClinGen allele CA7557093.
Genomic context (GRCh38, chr15:50,592,389, plus strand): 5'-AAGAGAGGAGCTAAGTGTATTTACAACACCATGCTTTTTCCATACAGAAGGTCTTACAGG[A>C]CCATCATCAATAAGGTTTTGAGCCAAGTGTTTGGAAATGCTCAGTTCTCGTGTGATTTCA-3'
Protein context (NP_060142.3, residues 1272-1292): KHLAQNLIDD[Gly1282=]PVRPSVWKKH

ClinVar aggregate classification (germline): Benign (0 of 4 stars; one submission).

Conditions:
TRPM7-related disorder. Also called: TRPM7-related condition.

Allele frequency attached by ClinVar (database versions not stated): gnomAD exomes 0.00042; ExAC 0.00132; ESP Exome Variant Server 0.00392; gnomAD 0.00444; TOPMed 0.00505; 1000 Genomes Project 30x 0.00547; 1000 Genomes Project 0.00559.
gnomAD v4.1: 1,337 of 1,614,170 alleles (0.083%); highest among the groups gnomAD compares: African/African-American, 1.6%; 14 homozygotes.

Submission:

PreventionGenetics, part of Exact Sciences
Classification: Benign for TRPM7-related condition. Last evaluated: 2019-11-06. Review status: no assertion criteria provided. Collection method: clinical testing. Allele origin: germline.
Comment: This variant is classified as benign based on ACMG/AMP sequence variant interpretation guidelines (Richards et al. 2015 PMID: 25741868, with internal and published modifications).